The following is an entry in ClinVar:

ClinVar aggregate classification (germline): Benign (1 of 4 stars; one submission).

Allele frequency attached by ClinVar (database versions not stated): 1000 Genomes Project 0.82768; 1000 Genomes Project 30x 0.83854; TOPMed 0.92841; gnomAD 0.93107 and 0.94054.
gnomAD v4.1: 141,712 of 152,284 alleles (93%); highest among the groups gnomAD compares: African/African-American, 97%; 66,496 homozygotes.

Submission:

GeneDx
Classification: Benign. Last evaluated: 2018-06-14. Review status: criteria provided, single submitter. Criteria: GeneDx Variant Classification (06012015). Collection method: clinical testing. Allele origin: germline. Affected: yes.
Comment: This variant is considered likely benign or benign based on one or more of the following criteria: it is a conservative change, it occurs at a poorly conserved position in the protein, it is predicted to be benign by multiple in silico algorithms, and/or has population frequency not consistent with disease.

NM_033109.5(PNPT1):c.1495+219G>A

Gene: PNPT1 (polyribonucleotide nucleotidyltransferase 1; minus strand). Cytogenetic location: 2p16.1.
Variant type: single nucleotide variant.
Coding change: c.1495+219G>A on transcript NM_033109.5 (MANE Select); 219 bases into the intron after coding-DNA position 1495, G replaced by A.
Molecular consequence: intron variant.
Genome position (GRCh38, 1-based): chr2:55,654,681, C>T on the plus strand (G>A on the coding strand, the complement: PNPT1 is on the minus strand). VCF-style: chr2-55654681-C-T. GRCh37 (hg19) VCF-style: chr2-55881816-C-T.
Identifiers: ClinVar variation 671592 (VCV000671592.1), dbSNP rs782569, ClinGen allele CA15161054.